The following is an entry in ClinVar:

NM_004006.3(DMD):c.377A>C (p.Asn126Thr)

Gene: DMD (dystrophin; minus strand). Cytogenetic location: Xp21.1.
Variant type: single nucleotide variant.
Coding change: c.377A>C on transcript NM_004006.3 (MANE Select); coding-DNA position 377, A replaced by C.
Protein change: p.Asn126Thr; replaces asparagine 126 with threonine.
Molecular consequence: missense variant.
Genome position (GRCh38, 1-based): chrX:32,816,621, T>G on the plus strand (A>C on the coding strand, the complement: DMD is on the minus strand). VCF-style: chrX-32816621-T-G. GRCh37 (hg19) VCF-style: chrX-32834738-T-G.
Other names: c.353A>C, p.Asn118Thr (NM_000109.4); c.365A>C, p.Asn122Thr (NM_004009.3); c.8A>C, p.Asn3Thr (NM_004010.3); short protein forms N118T, N122T, N126T, N3T.
Identifiers: ClinVar variation 4890810 (VCV004890810.1).

ClinVar aggregate classification (germline): Uncertain significance (1 of 4 stars; one submission).

Conditions:
Duchenne muscular dystrophy (DMD). Also called: MUSCULAR DYSTROPHY, PSEUDOHYPERTROPHIC PROGRESSIVE, DUCHENNE TYPE; Duchenne Muscular Dystrophy (DMD). Identifiers: Orphanet 98896, MedGen C0013264, MONDO:0010679, OMIM 310200.

Submission:

Helix
Classification: Uncertain significance for Duchenne muscular dystrophy. Last evaluated: 2025-09-25. Review status: criteria provided, single submitter. Criteria: ACMG Guidelines, 2015. Collection method: clinical testing. Allele origin: germline. Inheritance: X-linked inheritance.
Comment: This variant (NM_004006.3:c.377A>C p.Asn126Thr) results in the substitution of asparagine with threonine at codon 126 in the DMD protein. It is a rare variant that is absent from the large gnomAD population database (v4.1). To our knowledge, this variant has not been reported in individuals with DMD-related conditions in the published literature. In silico prediction from REVEL (PMID: 27666373) suggests that this variant may be benign. In conclusion, since the available evidence is limited, the clinical significance of this variant is unclear at this time. Therefore, it is classified as a Variant of Uncertain Significance.